The following is an entry in ClinVar:

ClinVar aggregate classification (germline): Pathogenic (1 of 4 stars; one submission).

Conditions:
CHD7-related CHARGE syndrome. Identifiers: MedGen CN380413, MONDO:1010178, OMIM 214800.

Submission:

Department of Otolaryngology-Head and Neck Surgery, Shanghai Jiao Tong University Affiliated Sixth People’s Hospital
Classification: Pathogenic for CHD7-related CHARGE syndrome. Last evaluated: 2026-06-01. Review status: criteria provided, single submitter. Criteria: ACMG Guidelines, 2015. Collection method: provider interpretation. Allele origin: de novo. Inheritance: Autosomal dominant inheritance. Affected: yes. Observed: 1 variant allele, 1 heterozygote.
Comment: This two-base pair deletion leads to a frameshift variant at p.Leu1151 with a downstream premature stop codon predicted to trigger NMD-mediated transcript degradation. Haploinsufficiency of CHD7 due to loss-of-function truncating variants is the canonical molecular mechanism underlying CHARGE syndrome, justifying application of PVS1. The variant is absent in gnomAD population datasets with no reported carrier alleles (PM2). No evidence supporting benign classification was identified. According to ACMG/AMP 2015 variant interpretation guidelines, this variant is classified as Pathogenic.

Literature cited by the submitters: PubMed 32247258.

NM_017780.4(CHD7):c.3450_3451del (p.Leu1151fs)

Gene: CHD7 (chromodomain helicase DNA binding protein 7; plus strand). Cytogenetic location: 8q12.2.
Variant type: Deletion.
Coding change: c.3450_3451del on transcript NM_017780.4 (MANE Select); coding-DNA positions 3450 to 3451, 2 bases deleted (CT; older notation c.3450_3451delCT).
Protein change: p.Leu1151fs; shifts the reading frame from leucine 1151.
Molecular consequence: frameshift variant. On other transcripts: intron variant (1).
Genome position (GRCh38, 1-based): chr8:60,828,734-60,828,735, CT deleted; deleting any 2 consecutive bases within chr8:60,828,733-60,828,735 gives the same sequence; the c. name uses the placement nearest the transcript's 3' end. VCF-style (leftmost placement, unchanged base first): chr8-60828732-TTC-T. GRCh37 (hg19) VCF-style: chr8-61741291-TTC-T.
Other names: c.1717-33495_1717-33494del (NM_001316690.1); short protein forms L1151fs.
Identifiers: ClinVar variation 4875555 (VCV004875555.1).